The following is an entry in ClinVar:

NM_005876.5(SPEG):c.8747C>T (p.Pro2916Leu)

Genes: ASIC4-AS1 (ASIC4 antisense RNA 1; minus strand), SPEG (striated muscle enriched protein kinase; plus strand). Cytogenetic location: 2q35.
Variant type: single nucleotide variant.
Coding change: c.8747C>T on transcript NM_005876.5 (MANE Select); coding-DNA position 8747, C replaced by T.
Protein change: p.Pro2916Leu; replaces proline 2916 with leucine.
Molecular consequence: missense variant.
Genome position (GRCh38, 1-based): chr2:219,489,765, C>T. VCF-style: chr2-219489765-C-T. GRCh37 (hg19) VCF-style: chr2-220354487-C-T.
Other names: short protein forms P2916L.
Identifiers: ClinVar variation 1930887 (VCV001930887.5), dbSNP rs1437940430, ClinGen allele CA350712389.
Genomic context (GRCh38, chr2:219,489,765, plus strand): 5'-CCTCTACTCCTGTGTATGTGGTGACTTCCTTTGTGTCTGCACCACCAGCCCCTGAGCCCC[C>T]AGCCCCTGAGCCCCCTCCTGAGCCTACCAAGGTGACTGTGCAGAGCCTCAGCCCGGCCAA-3'
Protein context (NP_005867.3, residues 2906-2926): FVSAPPAPEP[Pro2916Leu]APEPPPEPTK

ClinVar aggregate classification (germline): Uncertain significance (1 of 4 stars; one submission).

gnomAD v4.1: 14 of 1,613,756 alleles (0.00087%); highest among the groups gnomAD compares: South Asian, 0.013%; no homozygotes.

Submission:

Labcorp Genetics (formerly Invitae), Labcorp
Classification: Uncertain significance. Last evaluated: 2022-05-08. Review status: criteria provided, single submitter. Criteria: Invitae Variant Classification Sherloc (09022015). Collection method: clinical testing. Allele origin: germline.
Comment: Algorithms developed to predict the effect of missense changes on protein structure and function are either unavailable or do not agree on the potential impact of this missense change (SIFT: "Tolerated"; PolyPhen-2: "Probably Damaging"; Align-GVGD: "Class C0"). In summary, the available evidence is currently insufficient to determine the role of this variant in disease. Therefore, it has been classified as a Variant of Uncertain Significance. This sequence change replaces proline, which is neutral and non-polar, with leucine, which is neutral and non-polar, at codon 2916 of the SPEG protein (p.Pro2916Leu). This variant is present in population databases (no rsID available, gnomAD 0.003%). This variant has not been reported in the literature in individuals affected with SPEG-related conditions.